The following is an entry in ClinVar:

NM_001184.4(ATR):c.2989G>A (p.Val997Ile)

Gene: ATR (ATR checkpoint kinase; minus strand). Cytogenetic location: 3q23.
Variant type: single nucleotide variant.
Coding change: c.2989G>A on transcript NM_001184.4 (MANE Select); coding-DNA position 2989, G replaced by A.
Protein change: p.Val997Ile; replaces valine 997 with isoleucine.
Molecular consequence: missense variant.
Genome position (GRCh38, 1-based): chr3:142,549,661, C>T on the plus strand (G>A on the coding strand, the complement: ATR is on the minus strand). VCF-style: chr3-142549661-C-T. GRCh37 (hg19) VCF-style: chr3-142268503-C-T.
Other names: c.2797G>A, p.Val933Ile (NM_001354579.2); short protein forms V933I, V997I.
Identifiers: ClinVar variation 3221108 (VCV003221108.1), dbSNP rs2473364390, ClinGen allele CA354812577.

ClinVar aggregate classification (germline): Uncertain significance (1 of 4 stars; one submission).

Conditions:
Inborn genetic diseases. Identifiers: MedGen C0950123, MeSH D030342.

Submission:

Ambry Genetics
Classification: Uncertain significance for Inborn genetic diseases. Last evaluated: 2024-03-10. Review status: criteria provided, single submitter. Criteria: Ambry Variant Classification Scheme 2023. Collection method: clinical testing. Allele origin: germline.
Comment: The p.V997I variant (also known as c.2989G>A), located in coding exon 15 of the ATR gene, results from a G to A substitution at nucleotide position 2989. The valine at codon 997 is replaced by isoleucine, an amino acid with highly similar properties. This amino acid position is conserved. In addition, this alteration is predicted to be tolerated by in silico analysis. Based on the available evidence, the clinical significance of this alteration remains unclear.